The following is an entry in ClinVar:

NM_000018.4(ACADVL):c.705C>A (p.Ser235Arg)

Gene: ACADVL (acyl-CoA dehydrogenase very long chain; plus strand). Cytogenetic location: 17p13.1.
Variant type: single nucleotide variant.
Coding change: c.705C>A on transcript NM_000018.4 (MANE Select); coding-DNA position 705, C replaced by A.
Protein change: p.Ser235Arg; replaces serine 235 with arginine.
Molecular consequence: missense variant.
Genome position (GRCh38, 1-based): chr17:7,222,034, C>A. VCF-style: chr17-7222034-C-A. GRCh37 (hg19) VCF-style: chr17-7125353-C-A.
Other names: c.639C>A, p.Ser213Arg (NM_001033859.3); c.774C>A, p.Ser258Arg (NM_001270447.2); c.477C>A, p.Ser159Arg (NM_001270448.2); short protein forms S213R, S258R, S159R, S235R.
Identifiers: ClinVar variation 932798 (VCV000932798.2), dbSNP rs2071256120, ClinGen allele CA397723500.

ClinVar aggregate classification (germline): Uncertain significance (1 of 4 stars; one submission).

Conditions:
Very long chain acyl-CoA dehydrogenase deficiency (ACADVLD). Also called: Very Long-Chain Acyl-Coenzyme A Dehydrogenase Deficiency; VLCAD Deficiency. Identifiers: Orphanet 26793, MedGen C3887523, MONDO:0008723, OMIM 201475.

Submission:

Wong Mito Lab, Molecular and Human Genetics, Baylor College of Medicine
Classification: Uncertain significance for Very long chain acyl-CoA dehydrogenase deficiency. Last evaluated: 2019-11-01. Review status: criteria provided, single submitter. Criteria: ACMG Guidelines, 2015. Collection method: clinical testing. Allele origin: germline.
Comment: The NM_000018.3:c.705C>A (NP_000009.1:p.Ser235Arg) [GRCH38: NC_000017.11:g.7222034C>A] variant in ACADVL gene is interpretated to be Uncertain Significance based on ACMG guidelines (PMID: 25741868). This variant has been reported. This variant meets the following evidence codes reported in the ACMG guidelines: PP3